The following is an entry in ClinVar:

NM_001365088.1(SLC12A6):c.3042+8A>G

Gene: SLC12A6 (solute carrier family 12 member 6; minus strand). Cytogenetic location: 15q14.
Variant type: single nucleotide variant.
Coding change: c.3042+8A>G on transcript NM_001365088.1 (MANE Select); 8 bases into the intron after coding-DNA position 3042, A replaced by G.
Molecular consequence: intron variant.
Genome position (GRCh38, 1-based): chr15:34,236,700, T>C on the plus strand (A>G on the coding strand, the complement: SLC12A6 is on the minus strand). VCF-style: chr15-34236700-T-C. GRCh37 (hg19) VCF-style: chr15-34528901-T-C.
Other names: p.?; c.2865+8A>G (NM_001042495.2, NM_001042494.2); c.3015+8A>G (NM_001042496.2); c.2997+8A>G (NM_001042497.2); c.3042+8A>G (NM_133647.2); c.2889+8A>G (NM_005135.2).
Identifiers: ClinVar variation 195698 (VCV000195698.70), dbSNP rs186141509, ClinGen allele CA201907.

ClinVar aggregate classification (germline): Benign/Likely benign. Review status: criteria provided, multiple submitters, no conflicts (2 of 4 stars). 15 submissions from 15 submitters: Benign (5); Likely benign (5). 5 of the submissions do not count toward it. Last evaluated 2026-02-01.

Conditions:
Agenesis of the corpus callosum with peripheral neuropathy (ACCPN). Also called: HMSN/ACC; CHARLEVOIX DISEASE; POLYNEUROPATHY, SENSORIMOTOR, WITH OR WITHOUT AGENESIS OF THE CORPUS CALLOSUM; Hereditary Motor and Sensory Neuropathy with Agenesis of the Corpus Callosum. Identifiers: Orphanet 1496, MedGen C0795950, MONDO:0000902, OMIM 218000. Disease mechanism: loss of function.

Allele frequency attached by ClinVar (database versions not stated): 1000 Genomes Project 0.00080; 1000 Genomes Project 30x 0.00094; gnomAD 0.00230 and 0.00245; ESP Exome Variant Server 0.00231; TOPMed 0.00231; gnomAD exomes 0.00240 and 0.00391; ExAC 0.00242.
gnomAD v4.1: 5,313 of 1,434,102 alleles (0.37%); highest among the groups gnomAD compares: Non-Finnish European, 0.47%; 23 homozygotes.

Submissions (15):

CeGaT Center for Human Genetics Tuebingen
Classification: Likely benign. Last evaluated: 2026-02-01. Review status: criteria provided, single submitter. Criteria: CeGaT Center For Human Genetics Tuebingen Variant Classification Criteria Version 2. Collection method: clinical testing. Allele origin: germline. Affected: yes. Observed: 13 variant alleles.
Comment: SLC12A6: BP4, BS2

Labcorp Genetics (formerly Invitae), Labcorp
Classification: Benign. Last evaluated: 2026-01-28. Review status: criteria provided, single submitter. Criteria: Invitae Variant Classification Sherloc (09022015). Collection method: clinical testing. Allele origin: germline.

Blueprint Genetics
Classification: Likely benign. Last evaluated: 2024-11-25. Review status: criteria provided, single submitter. Criteria: ACMG Guidelines, 2015. Collection method: clinical testing. Allele origin: germline.

Mayo Clinic Laboratories, Mayo Clinic
Classification: Benign. Last evaluated: 2024-03-18. Review status: criteria provided, single submitter. Criteria: ACMG Guidelines, 2015. Collection method: clinical testing. Allele origin: germline. Observed: 19 variant alleles.
Comment: BS1, BS2, BP4, BP7

Genome-Nilou Lab
Classification: Benign for Agenesis of the corpus callosum with peripheral neuropathy. Last evaluated: 2021-07-15. Review status: criteria provided, single submitter. Criteria: ACMG Guidelines, 2015. Collection method: clinical testing. Allele origin: germline. Affected: no.

ARUP Laboratories, Molecular Genetics and Genomics, ARUP Laboratories
Classification: Benign for Agenesis of the corpus callosum with peripheral neuropathy. Last evaluated: 2019-02-27. Review status: criteria provided, single submitter. Criteria: ARUP Molecular Germline Variant Investigation Process. Collection method: clinical testing. Allele origin: germline.

Illumina Laboratory Services, Illumina
Classification: Likely benign for Agenesis of the corpus callosum with peripheral neuropathy. Last evaluated: 2018-01-13. Review status: criteria provided, single submitter. Criteria: ICSL Variant Classification Criteria 13 December 2019. Collection method: clinical testing. Allele origin: germline.
Comment: This variant was observed in the ICSL laboratory as part of a predisposition screen in an ostensibly healthy population. It had not been previously curated by ICSL or reported in the Human Gene Mutation Database (HGMD: prior to June 1st, 2018), and was therefore a candidate for classification through an automated scoring system. Utilizing variant allele frequency, disease prevalence and penetrance estimates, and inheritance mode, an automated score was calculated to assess if this variant is too frequent to cause the disease. Based on the score and internal cut-off values, a variant classified as likely benign is not then subjected to further curation. The score for this variant resulted in a classification of likely benign for this disease.

GeneDx
Classification: Benign. Last evaluated: 2015-07-16. Review status: criteria provided, single submitter. Criteria: GeneDx Variant Classification (06012015). Collection method: clinical testing. Allele origin: germline. Affected: yes.
Comment: This variant is considered likely benign or benign based on one or more of the following criteria: it is a conservative change, it occurs at a poorly conserved position in the protein, it is predicted to be benign by multiple in silico algorithms, and/or has population frequency not consistent with disease.

Eurofins Ntd Llc (ga)
Classification: Likely benign. Last evaluated: 2015-02-26. Review status: criteria provided, single submitter. Criteria: EGL Classification Definitions 2015. Collection method: clinical testing. Allele origin: germline. Observed: 1 variant allele, 1 heterozygote.

Breakthrough Genomics
Classification: Likely benign. Review status: criteria provided, single submitter. Criteria: ACMG Guidelines, 2015. Collection method: not provided. Allele origin: germline. Inheritance: Autosomal recessive inheritance. Affected: yes.

Natera, Inc.
Classification: Uncertain significance for Andermann syndrome. Last evaluated: 2020-04-18. Review status: no assertion criteria provided. Collection method: clinical testing. Allele origin: germline. Not counted in ClinVar's aggregate classification.

Clinical Genetics DNA and cytogenetics Diagnostics Lab, Erasmus MC, Erasmus Medical Center
Classification: Likely benign. Review status: no assertion criteria provided. Collection method: clinical testing. Allele origin: germline. Affected: yes. Study: VKGL Data-share Consensus. Not counted in ClinVar's aggregate classification.

Clinical Genetics, Academic Medical Center
Classification: Likely benign. Review status: no assertion criteria provided. Collection method: clinical testing. Allele origin: germline. Affected: yes. Study: VKGL Data-share Consensus. Not counted in ClinVar's aggregate classification.

Genome Diagnostics Laboratory, University Medical Center Utrecht
Classification: Likely benign. Review status: no assertion criteria provided. Collection method: clinical testing. Allele origin: germline. Affected: yes. Study: VKGL Data-share Consensus. Not counted in ClinVar's aggregate classification.

Laboratory of Diagnostic Genome Analysis, Leiden University Medical Center (LUMC)
Classification: Likely benign. Review status: no assertion criteria provided. Collection method: clinical testing. Allele origin: germline. Affected: yes. Study: VKGL Data-share Consensus. Not counted in ClinVar's aggregate classification.